The following is an entry in ClinVar:

ClinVar aggregate classification (germline): Pathogenic/Likely pathogenic. Review status: criteria provided, multiple submitters, no conflicts (2 of 4 stars). 4 submissions from 4 submitters: Pathogenic (1); Likely pathogenic (3). Last evaluated 2025-03-31.

Conditions:
GFM1-related disorder. Also called: GFM1-related condition.
Hepatoencephalopathy due to combined oxidative phosphorylation defect type 1. Also called: HEPATOENCEPHALOPATHY, EARLY FATAL PROGRESSIVE. Identifiers: Orphanet 137681, MedGen C1836797, MONDO:0012191, OMIM 609060.

Submissions (4):

Natera, Inc.
Classification: Likely pathogenic for Combined oxidative phosphorylation deficiency 1. Last evaluated: 2025-03-31. Review status: criteria provided, single submitter. Criteria: Natera Variant Classification Schema (03/2026). Collection method: clinical testing. Allele origin: germline.
Comment: The c.690_693delTCAG variant in GFM1 is a frameshift variant predicted to shift the reading frame beginning at codon 231 and leads to a stop codon 11 codons downstream. This variant is expected to result in nonsense mediated decay, truncation, or a dysfunctional protein product. This variant is rare in the general population with a frequency below the threshold expected for the associated phenotype(s). Given the available evidence, this variant is classified as Likely Pathogenic.

Labcorp Genetics (formerly Invitae), Labcorp
Classification: Pathogenic. Last evaluated: 2024-10-16. Review status: criteria provided, single submitter. Criteria: Invitae Variant Classification Sherloc (09022015). Collection method: clinical testing. Allele origin: germline.
Comment: This sequence change creates a premature translational stop signal (p.Gln231Leufs*11) in the GFM1 gene. It is expected to result in an absent or disrupted protein product. Loss-of-function variants in GFM1 are known to be pathogenic (PMID: 16632485, 17160893). This variant is present in population databases (rs778902849, gnomAD 0.003%). This variant has not been reported in the literature in individuals affected with GFM1-related conditions. ClinVar contains an entry for this variant (Variation ID: 1367819). Algorithms developed to predict the effect of sequence changes on RNA splicing suggest that this variant may disrupt the consensus splice site. For these reasons, this variant has been classified as Pathogenic.

PreventionGenetics, part of Exact Sciences
Classification: Likely pathogenic for GFM1-related condition. Last evaluated: 2023-07-12. Review status: criteria provided, single submitter. Criteria: ACMG Guidelines, 2015. Collection method: clinical testing. Allele origin: germline.
Comment: The GFM1 c.747_750delTCAG variant is predicted to result in a frameshift and premature protein termination (p.Ser249Argfs*12). To our knowledge, this variant has not been reported in the literature. This variant is reported in 0.0031% of alleles in individuals of European (Non-Finnish) descent in gnomAD. Frameshift variants in GFM1 are expected to be pathogenic. This variant is interpreted as likely pathogenic.

Fulgent Genetics
Classification: Likely pathogenic for Hepatoencephalopathy due to combined oxidative phosphorylation defect type 1. Last evaluated: 2021-10-27. Review status: criteria provided, single submitter. Criteria: ACMG Guidelines, 2015. Collection method: clinical testing. Allele origin: unknown.

Literature cited by the submitters: PubMed 16632485 (cited by Labcorp Genetics (formerly Invitae), Labcorp); PubMed 17160893 (cited by Labcorp Genetics (formerly Invitae), Labcorp).

NM_024996.7(GFM1):c.690_693del

Gene: GFM1 (G elongation factor mitochondrial 1; plus strand). Cytogenetic location: 3q25.32.
Variant type: Deletion.
Coding change: c.690_693del on transcript NM_024996.7 (MANE Select); coding-DNA positions 690 to 693, 4 bases deleted (TCAG; older notation c.690_693delTCAG).
Molecular consequence: splice acceptor variant.
Genome position (GRCh38, 1-based): chr3:158,652,096-158,652,099, TCAG deleted; deleting any 4 consecutive bases within chr3:158,652,094-158,652,099 gives the same sequence; the c. name uses the placement nearest the transcript's 3' end. VCF-style (leftmost placement, unchanged base first): chr3-158652093-TAGTC-T. GRCh37 (hg19) VCF-style: chr3-158369882-TAGTC-T.
Other names: c.690_693delTCAG (NM_024996.5); c.235-4_235-1del (NM_001374358.1); c.747_750delTCAG (NM_001308164.1).
Identifiers: ClinVar variation 1367819 (VCV001367819.11), dbSNP rs778902849, ClinGen allele CA2682404.
Genomic context (GRCh38, chr3:158,652,093, plus strand): 5'-TTCATTAGTCCTTCATATATTAAGTTGAATATCCTTAAAGCACCAAAATATTTGCTTTCT[TAGTC>T]AGATTGTTCGATATGGTGAGATTCCAGCTGAATTAAGGGCGGCGGCCACTGACCACCGGC-3'